The following is an entry in ClinVar:

ClinVar aggregate classification (germline): Pathogenic (1 of 4 stars; one submission).

Conditions:
Fanconi anemia (FA). Also called: Fanconi's anemia. Identifiers: Orphanet 84, MedGen C0015625, MeSH D005199, MONDO:0019391.

Allele frequency attached by ClinVar (database versions not stated): gnomAD exomes below 0.00001.

Submission:

Labcorp Genetics (formerly Invitae), Labcorp
Classification: Pathogenic for Fanconi anemia. Last evaluated: 2025-02-04. Review status: criteria provided, single submitter. Criteria: Invitae Variant Classification Sherloc (09022015). Collection method: clinical testing. Allele origin: germline.
Comment: This sequence change creates a premature translational stop signal (p.Asp944Glyfs*8) in the FANCA gene. It is expected to result in an absent or disrupted protein product. Loss-of-function variants in FANCA are known to be pathogenic (PMID: 19367192). This variant is not present in population databases (gnomAD no frequency). This variant has not been reported in the literature in individuals affected with FANCA-related conditions. ClinVar contains an entry for this variant (Variation ID: 2971602). For these reasons, this variant has been classified as Pathogenic.

Literature cited by the submitters: PubMed 19367192.

NM_000135.4(FANCA):c.2830_2831insGAAA (p.Asp944fs)

Gene: FANCA (FA complementation group A; minus strand). Cytogenetic location: 16q24.3.
Variant type: Insertion.
Coding change: c.2830_2831insGAAA on transcript NM_000135.4 (MANE Select); coding-DNA positions 2830 to 2831, GAAA inserted.
Protein change: p.Asp944fs; shifts the reading frame from aspartic acid 944.
Molecular consequence: frameshift variant.
Genome position: GRCh38 VCF-style: chr16-89761970-T-TTTTC. GRCh37 (hg19) VCF-style: chr16-89828378-T-TTTTC.
Other names: c.2830_2831insGAAA, p.Asp944fs (NM_001286167.3); short protein forms D944fs.
Identifiers: ClinVar variation 2971602 (VCV002971602.3), dbSNP rs2544167947, ClinGen allele CA2635025237.